The following is an entry in ClinVar:

ClinVar aggregate classification (germline): Likely benign. Review status: criteria provided, multiple submitters, no conflicts (2 of 4 stars). 4 submissions from 4 submitters: Likely benign (4). Last evaluated 2026-05-06.

Conditions:
Progressive sclerosing poliodystrophy (MTDPS4A). Also called: Alpers Syndrome; ALPERS DIFFUSE DEGENERATION OF CEREBRAL GRAY MATTER WITH HEPATIC CIRRHOSIS; Alpers-Huttenlocher Syndrome; ALPERS PROGRESSIVE INFANTILE POLIODYSTROPHY; Mitochondrial DNA Depletion Syndrome 4A; Alpers-Huttenlocher Syndrome (AHS). Identifiers: Orphanet 726, MedGen C0205710, MONDO:0008758, OMIM 203700.
POLG-related disorder. Also called: POLG-related condition; POLG-Related Disorders; POLG-Related Spectrum Disorders. Identifiers: MedGen C4763519.

Allele frequency attached by ClinVar (database versions not stated): ExAC 0.00002; gnomAD exomes 0.00002.
gnomAD v4.1: 78 of 1,613,984 alleles (0.0048%); highest among the groups gnomAD compares: Non-Finnish European, 0.0058%; no homozygotes.

Submissions (4):

PreventionGenetics, part of Exact Sciences
Classification: Likely benign for POLG-related condition. Last evaluated: 2026-05-06. Review status: criteria provided, single submitter. Criteria: ACMG Guidelines, 2015. Collection method: clinical testing. Allele origin: germline.
Comment: This variant is classified as likely benign based on ACMG/AMP sequence variant interpretation guidelines (Richards et al. 2015 PMID: 25741868, with internal and published modifications).

Labcorp Genetics (formerly Invitae), Labcorp
Classification: Likely benign for Progressive sclerosing poliodystrophy. Last evaluated: 2025-10-01. Review status: criteria provided, single submitter. Criteria: Invitae Variant Classification Sherloc (09022015). Collection method: clinical testing. Allele origin: germline.

Blueprint Genetics
Classification: Likely benign. Last evaluated: 2024-07-29. Review status: criteria provided, single submitter. Criteria: ACMG Guidelines, 2015. Collection method: clinical testing. Allele origin: germline.

Athena Diagnostics
Classification: Likely benign. Last evaluated: 2020-11-20. Review status: criteria provided, single submitter. Criteria: Athena Diagnostics criteria. Collection method: clinical testing. Allele origin: unknown.

NM_002693.3(POLG):c.3219G>A (p.Pro1073=)

Gene: POLG (DNA polymerase gamma, catalytic subunit; minus strand). Cytogenetic location: 15q26.1.
Variant type: single nucleotide variant.
Coding change: c.3219G>A on transcript NM_002693.3 (MANE Select); coding-DNA position 3219, G replaced by A.
Protein change: p.Pro1073=; no amino-acid change (proline 1073 retained).
Molecular consequence: synonymous variant.
Genome position (GRCh38, 1-based): chr15:89,318,985, C>T on the plus strand (G>A on the coding strand, the complement: POLG is on the minus strand). VCF-style: chr15-89318985-C-T. GRCh37 (hg19) VCF-style: chr15-89862216-C-T.
Other names: c.3219G>A, p.Pro1073= (NM_001126131.2).
Identifiers: ClinVar variation 1256100 (VCV001256100.14), dbSNP rs770800532, ClinGen allele CA7724206.